The following is an entry in ClinVar:

NM_000234.3(LIG1):c.2290G>A (p.Ala764Thr)

Gene: LIG1 (DNA ligase 1; minus strand). Cytogenetic location: 19q13.33.
Variant type: single nucleotide variant.
Coding change: c.2290G>A on transcript NM_000234.3 (MANE Select); coding-DNA position 2290, G replaced by A.
Protein change: p.Ala764Thr; replaces alanine 764 with threonine.
Molecular consequence: missense variant. On other transcripts: non-coding transcript variant (6).
Genome position (GRCh38, 1-based): chr19:48,121,265, C>T on the plus strand (G>A on the coding strand, the complement: LIG1 is on the minus strand). VCF-style: chr19-48121265-C-T. GRCh37 (hg19) VCF-style: chr19-48624522-C-T.
Other names: c.2197G>A, p.Ala733Thr (NM_001289063.2); c.2086G>A, p.Ala696Thr (NM_001289064.2); c.2287G>A, p.Ala763Thr (NM_001320970.2); c.2200G>A, p.Ala734Thr (NM_001320971.2); short protein forms A763T, A733T, A764T, A696T, A734T.
Identifiers: ClinVar variation 1421580 (VCV001421580.5), dbSNP rs368406296, ClinGen allele CA9546470.

ClinVar aggregate classification (germline): Uncertain significance (1 of 4 stars; one submission).

Allele frequency attached by ClinVar (database versions not stated): gnomAD exomes 0.00003 and 0.00007; ExAC 0.00007; 1000 Genomes Project 30x 0.00016; 1000 Genomes Project 0.00020; TOPMed 0.00024; gnomAD 0.00025 and 0.00026; ESP Exome Variant Server 0.00031.
gnomAD v4.1: 83 of 1,613,458 alleles (0.0051%); highest among the groups gnomAD compares: African/African-American, 0.087%; no homozygotes.

Submission:

Labcorp Genetics (formerly Invitae), Labcorp
Classification: Uncertain significance. Last evaluated: 2022-08-15. Review status: criteria provided, single submitter. Criteria: Invitae Variant Classification Sherloc (09022015). Collection method: clinical testing. Allele origin: germline.
Comment: This sequence change replaces alanine, which is neutral and non-polar, with threonine, which is neutral and polar, at codon 764 of the LIG1 protein (p.Ala764Thr). This variant is present in population databases (rs368406296, gnomAD 0.08%). This variant has not been reported in the literature in individuals affected with LIG1-related conditions. ClinVar contains an entry for this variant (Variation ID: 1421580). Algorithms developed to predict the effect of missense changes on protein structure and function are either unavailable or do not agree on the potential impact of this missense change (SIFT: "Deleterious"; PolyPhen-2: "Probably Damaging"; Align-GVGD: "Class C0"). In summary, the available evidence is currently insufficient to determine the role of this variant in disease. Therefore, it has been classified as a Variant of Uncertain Significance.